The following is an entry in ClinVar:

ClinVar aggregate classification (germline): Uncertain significance (1 of 4 stars; one submission).

Conditions:
Inborn genetic diseases. Identifiers: MedGen C0950123, MeSH D030342.

Submission:

Ambry Genetics
Classification: Uncertain significance for Inborn genetic diseases. Last evaluated: 2025-05-05. Review status: criteria provided, single submitter. Criteria: Ambry Variant Classification Scheme 2023. Collection method: clinical testing. Allele origin: germline.
Comment: The p.I78V variant (also known as c.232A>G), located in coding exon 3 of the FANCA gene, results from an A to G substitution at nucleotide position 232. The isoleucine at codon 78 is replaced by valine, an amino acid with highly similar properties. This amino acid position is conserved. In addition, this alteration is predicted to be tolerated by in silico analysis. Based on the available evidence, the clinical significance of this variant remains unclear.

NM_000135.4(FANCA):c.232A>G (p.Ile78Val)

Gene: FANCA (FA complementation group A; minus strand). Cytogenetic location: 16q24.3.
Variant type: single nucleotide variant.
Coding change: c.232A>G on transcript NM_000135.4 (MANE Select); coding-DNA position 232, A replaced by G.
Protein change: p.Ile78Val; replaces isoleucine 78 with valine.
Molecular consequence: missense variant.
Genome position (GRCh38, 1-based): chr16:89,814,571, T>C on the plus strand (A>G on the coding strand, the complement: FANCA is on the minus strand). VCF-style: chr16-89814571-T-C. GRCh37 (hg19) VCF-style: chr16-89880979-T-C.
Other names: c.232A>G, p.Ile78Val (NM_001018112.3, NM_001286167.3, NM_001351830.2); short protein forms I78V.
Identifiers: ClinVar variation 4022239 (VCV004022239.1).